The following is an entry in ClinVar:

ClinVar aggregate classification (germline): Uncertain significance (1 of 4 stars; one submission).

Submission:

GeneDx
Classification: Uncertain significance. Last evaluated: 2022-03-14. Review status: criteria provided, single submitter. Criteria: GeneDx Variant Classification Process June 2021. Collection method: clinical testing. Allele origin: germline. Affected: yes.
Comment: Not observed at significant frequency in large population cohorts (gnomAD); In silico analysis supports that this missense variant has a deleterious effect on protein structure/function; Has not been previously published as pathogenic or benign to our knowledge

NM_001367534.1(CAMK2G):c.1687C>T (p.Arg563Trp)

Gene: CAMK2G (calcium/calmodulin dependent protein kinase II gamma; minus strand). Cytogenetic location: 10q22.2.
Variant type: single nucleotide variant.
Coding change: c.1687C>T on transcript NM_001367534.1 (MANE Select); coding-DNA position 1687, C replaced by T.
Protein change: p.Arg563Trp; replaces arginine 563 with tryptophan.
Molecular consequence: missense variant. On other transcripts: non-coding transcript variant (8).
Genome position (GRCh38, 1-based): chr10:73,815,095, G>A on the plus strand (C>T on the coding strand, the complement: CAMK2G is on the minus strand). VCF-style: chr10-73815095-G-A. GRCh37 (hg19) VCF-style: chr10-75574853-G-A.
Other names: c.1540C>T, p.Arg514Trp (NM_001204492.2); c.1408C>T, p.Arg470Trp (NM_001222.4); c.1477C>T, p.Arg493Trp (NM_001367516.1, NM_001367517.1, NM_172170.5); c.1555C>T, p.Arg519Trp (NM_001367518.1); c.1567C>T, p.Arg523Trp (NM_001367525.1); c.1585C>T, p.Arg529Trp (NM_001367527.1); c.1441C>T, p.Arg481Trp (NM_001367530.1); c.1510C>T, p.Arg504Trp (NM_001367531.1); and 14 more; short protein forms R301W, R404W, R449W, R470W, R479W, R481W, R485W, R493W.
Identifiers: ClinVar variation 1706117 (VCV001706117.2), dbSNP rs1041997142, ClinGen allele CA377295639.